The following is an entry in ClinVar:

NM_001123385.2(BCOR):c.626C>T (p.Ser209Leu)

Genes: BCOR (BCL6 corepressor; minus strand), LOC126863239 (MED14-independent group 3 enhancer GRCh37_chrX:39932994-39934193; plus strand). Cytogenetic location: Xp11.4.
Variant type: single nucleotide variant.
Coding change: c.626C>T on transcript NM_001123385.2 (MANE Select); coding-DNA position 626, C replaced by T.
Protein change: p.Ser209Leu; replaces serine 209 with leucine.
Molecular consequence: missense variant.
Genome position (GRCh38, 1-based): chrX:40,074,720, G>A on the plus strand (C>T on the coding strand, the complement: BCOR is on the minus strand). VCF-style: chrX-40074720-G-A. GRCh37 (hg19) VCF-style: chrX-39933973-G-A.
Other names: c.626C>T, p.Ser209Leu (NM_001123383.2, NM_001123384.2, NM_017745.6); short protein forms S209L.
Identifiers: ClinVar variation 133685 (VCV000133685.19), dbSNP rs143697110, ClinGen allele CA157323.

ClinVar aggregate classification (germline): Benign. Review status: criteria provided, multiple submitters, no conflicts (2 of 4 stars). 7 submissions from 7 submitters: Benign (2). 5 of the submissions do not count toward it. Last evaluated 2026-02-01.

Conditions:
Inborn genetic diseases. Identifiers: MedGen C0950123, MeSH D030342.
Oculofaciocardiodental syndrome (MCOPS2). Identifiers: Orphanet 2712, MedGen C1846265, MONDO:0010261, OMIM 300166.

Allele frequency attached by ClinVar (database versions not stated): ESP Exome Variant Server 0.00047; ExAC 0.00048; gnomAD exomes 0.00058 and 0.00096; gnomAD 0.00072 and 0.00075; TOPMed 0.00076.
gnomAD v4.1: 1,165 of 1,209,771 alleles (0.096%); highest among the groups gnomAD compares: Non-Finnish European, 0.11%; 2 homozygotes.

Submissions (7):

Labcorp Genetics (formerly Invitae), Labcorp
Classification: Benign for Oculofaciocardiodental syndrome. Last evaluated: 2026-02-01. Review status: criteria provided, single submitter. Criteria: Invitae Variant Classification Sherloc (09022015). Collection method: clinical testing. Allele origin: germline.

Ambry Genetics
Classification: Benign for Inborn genetic diseases. Last evaluated: 2024-02-26. Review status: criteria provided, single submitter. Criteria: Ambry Variant Classification Scheme 2023. Collection method: clinical testing. Allele origin: germline.

ITMI
No classification provided. Condition: AllHighlyPenetrant. Last evaluated: 2013-09-19. Review status: no classification provided. Collection method: reference population. Allele origin: germline. Not counted in ClinVar's aggregate classification.
Comment: Please see associated publication for description of ethnicities

Clinical Genetics DNA and cytogenetics Diagnostics Lab, Erasmus MC, Erasmus Medical Center
Classification: Benign. Review status: no assertion criteria provided. Collection method: clinical testing. Allele origin: germline. Affected: yes. Study: VKGL Data-share Consensus. Not counted in ClinVar's aggregate classification.

Clinical Genetics, Academic Medical Center
Classification: Likely benign. Review status: no assertion criteria provided. Collection method: clinical testing. Allele origin: germline. Affected: yes. Study: VKGL Data-share Consensus. Not counted in ClinVar's aggregate classification.

Joint Genome Diagnostic Labs from Nijmegen and Maastricht, Radboudumc and MUMC+
Classification: Benign. Review status: no assertion criteria provided. Collection method: clinical testing. Allele origin: germline. Affected: yes. Study: VKGL Data-share Consensus. Not counted in ClinVar's aggregate classification.

Laboratory of Diagnostic Genome Analysis, Leiden University Medical Center (LUMC)
Classification: Likely benign. Review status: no assertion criteria provided. Collection method: clinical testing. Allele origin: germline. Affected: yes. Study: VKGL Data-share Consensus. Not counted in ClinVar's aggregate classification.

Literature cited by the submitters: PubMed 24728327 (cited by ITMI).